The following is an entry in ClinVar:

NM_002471.4(MYH6):c.2980C>A (p.Leu994Met)

Gene: MYH6 (myosin heavy chain 6; minus strand). Cytogenetic location: 14q11.2.
Variant type: single nucleotide variant.
Coding change: c.2980C>A on transcript NM_002471.4 (MANE Select); coding-DNA position 2980, C replaced by A.
Protein change: p.Leu994Met; replaces leucine 994 with methionine.
Molecular consequence: missense variant.
Genome position (GRCh38, 1-based): chr14:23,393,467, G>T on the plus strand (C>A on the coding strand, the complement: MYH6 is on the minus strand). VCF-style: chr14-23393467-G-T. GRCh37 (hg19) VCF-style: chr14-23862676-G-T.
Other names: short protein forms L994M.
Identifiers: ClinVar variation 164237 (VCV000164237.18), dbSNP rs727503238, ClinGen allele CA176955.

ClinVar aggregate classification (germline): Uncertain significance. Review status: criteria provided, multiple submitters, no conflicts (2 of 4 stars). 6 submissions from 6 submitters: Uncertain significance (6). Last evaluated 2026-07-01.

Conditions:
MYH6-related disorder. Also called: MYH6-related condition; MYH6-Related Disorders.
Cardiovascular phenotype. Identifiers: MedGen CN230736.
Atrial septal defect 3 (ASD3). Identifiers: Orphanet 1478, MedGen C3279790, MONDO:0013567, OMIM 614089.
Sick sinus syndrome 3, susceptibility to (SSS3). Identifiers: Orphanet 166282, MedGen C3279791, MONDO:0013568, OMIM 614090.
Hypertrophic cardiomyopathy 1 (CMH1). Also called: Familial hypertrophic cardiomyopathy 1; MYH7-Related Familial Hypertrophic Cardiomyopathy. Identifiers: MedGen C3495498, MONDO:0008647, OMIM 192600.
Dilated cardiomyopathy 1EE (CMD1EE). Identifiers: Orphanet 154, MedGen C2750466, MONDO:0013198, OMIM 613252.
Hypertrophic cardiomyopathy 14. Identifiers: MedGen C2750467, MONDO:0013197, OMIM 613251.

Allele frequency attached by ClinVar (database versions not stated): ExAC 0.00001; gnomAD 0.00001; gnomAD exomes 0.00001; TOPMed 0.00003.
gnomAD v4.1: 14 of 1,614,034 alleles (0.00087%); highest among the groups gnomAD compares: Non-Finnish European, 0.0012%; no homozygotes.

Submissions (6):

CeGaT Center for Human Genetics Tuebingen
Classification: Uncertain significance. Last evaluated: 2026-07-01. Review status: criteria provided, single submitter. Criteria: CeGaT Center For Human Genetics Tuebingen Variant Classification Criteria Version 2. Collection method: clinical testing. Allele origin: germline. Affected: yes. Observed: 1 variant allele.
Comment: MYH6: PP3

Ambry Genetics
Classification: Uncertain significance for Cardiovascular phenotype. Last evaluated: 2025-08-01. Review status: criteria provided, single submitter. Criteria: Ambry Variant Classification Scheme 2023. Collection method: clinical testing. Allele origin: germline.

Labcorp Genetics (formerly Invitae), Labcorp
Classification: Uncertain significance for Hypertrophic cardiomyopathy 14. Last evaluated: 2024-12-15. Review status: criteria provided, single submitter. Criteria: Invitae Variant Classification Sherloc (09022015). Collection method: clinical testing. Allele origin: germline.
Comment: This sequence change replaces leucine, which is neutral and non-polar, with methionine, which is neutral and non-polar, at codon 994 of the MYH6 protein (p.Leu994Met). This variant is present in population databases (rs727503238, gnomAD 0.003%). This variant has not been reported in the literature in individuals affected with MYH6-related conditions. ClinVar contains an entry for this variant (Variation ID: 164237). Invitae Evidence Modeling of protein sequence and biophysical properties (such as structural, functional, and spatial information, amino acid conservation, physicochemical variation, residue mobility, and thermodynamic stability) indicates that this missense variant is not expected to disrupt MYH6 protein function with a negative predictive value of 80%. In summary, the available evidence is currently insufficient to determine the role of this variant in disease. Therefore, it has been classified as a Variant of Uncertain Significance.

PreventionGenetics, part of Exact Sciences
Classification: Uncertain significance for MYH6-related condition. Last evaluated: 2022-09-12. Review status: criteria provided, single submitter. Criteria: ACMG Guidelines, 2015. Collection method: clinical testing. Allele origin: germline.
Comment: The MYH6 c.2980C>A variant is predicted to result in the amino acid substitution p.Leu994Met. To our knowledge, this variant has not been reported in the literature. This variant is reported in 0.0026% of alleles in individuals of European (Non-Finnish) descent in gnomAD. At this time, the clinical significance of this variant is uncertain due to the absence of conclusive functional and genetic evidence.

Fulgent Genetics
Classification: Uncertain significance for Hypertrophic cardiomyopathy 1; Hypertrophic cardiomyopathy 14; Dilated cardiomyopathy 1EE; Atrial septal defect 3; Sick sinus syndrome 3, susceptibility to. Last evaluated: 2022-02-10. Review status: criteria provided, single submitter. Criteria: ACMG Guidelines, 2015. Collection method: clinical testing. Allele origin: unknown.

Laboratory for Molecular Medicine, Mass General Brigham Personalized Medicine
Classification: Uncertain significance. Last evaluated: 2014-07-15. Review status: criteria provided, single submitter. Criteria: LMM Criteria. Collection method: clinical testing. Allele origin: germline. Observed: 1 variant allele.
Comment: The Leu994Met variant in MYH6 has not been previously reported in individuals wi th cardiomyopathy or in large population studies. Computational prediction tools and conservation analysis do not provide strong support for or against an impac t to the protein. In summary, the clinical significance of the Leu994Met variant is uncertain.